The following is an entry in ClinVar:

NM_006514.4(SCN10A):c.269G>A (p.Arg90Gln)

Gene: SCN10A (sodium voltage-gated channel alpha subunit 10; minus strand). Cytogenetic location: 3p22.2.
Variant type: single nucleotide variant.
Coding change: c.269G>A on transcript NM_006514.4 (MANE Select); coding-DNA position 269, G replaced by A.
Protein change: p.Arg90Gln; replaces arginine 90 with glutamine.
Molecular consequence: missense variant.
Genome position (GRCh38, 1-based): chr3:38,793,742, C>T on the plus strand (G>A on the coding strand, the complement: SCN10A is on the minus strand). VCF-style: chr3-38793742-C-T. GRCh37 (hg19) VCF-style: chr3-38835233-C-T.
Other names: c.269G>A, p.Arg90Gln (NM_001293306.2, NM_001293307.2); short protein forms R90Q.
Identifiers: ClinVar variation 1794884 (VCV001794884.2), dbSNP rs1284416574, ClinGen allele CA352162440.

ClinVar aggregate classification (germline): Uncertain significance (1 of 4 stars; one submission).

Conditions:
Cardiovascular phenotype. Identifiers: MedGen CN230736.

Allele frequency attached by ClinVar (database versions not stated): TOPMed below 0.00001; gnomAD 0.00001; gnomAD exomes 0.00001.

Submission:

Ambry Genetics
Classification: Uncertain significance for Cardiovascular phenotype. Last evaluated: 2023-12-27. Review status: criteria provided, single submitter. Criteria: Ambry Variant Classification Scheme 2023. Collection method: clinical testing. Allele origin: germline.
Comment: Does not currently meet published gene-disease clinical validity criteria Based on insufficient or conflicting evidence, the clinical significance of this alteration remains unclear.

Literature cited by the submitters: PubMed 28106320.